The following is an entry in ClinVar:

ClinVar aggregate classification (germline): Uncertain significance (1 of 4 stars; one submission).

Submission:

GeneDx
Classification: Uncertain significance. Last evaluated: 2023-09-27. Review status: criteria provided, single submitter. Criteria: GeneDx Variant Classification Process June 2021. Collection method: clinical testing. Allele origin: germline. Affected: yes.
Comment: In silico analysis supports that this missense variant has a deleterious effect on protein structure/function; In silico analysis supports that this missense variant has a deleterious effect on gene splicing; Has not been previously published as pathogenic or benign to our knowledge; No data available from control populations to assess the frequency of this variant

NM_001099857.5(IKBKG):c.497A>T (p.Glu166Val)

Gene: IKBKG (inhibitor of nuclear factor kappa B kinase regulatory subunit gamma; plus strand). Cytogenetic location: Xq28.
Variant type: single nucleotide variant.
Coding change: c.497A>T on transcript NM_001099857.5 (MANE Select); coding-DNA position 497, A replaced by T.
Protein change: p.Glu166Val; replaces glutamic acid 166 with valine.
Molecular consequence: missense variant. On other transcripts: intron variant (1).
Genome position (GRCh38, 1-based): chrX:154,558,629, A>T. VCF-style: chrX-154558629-A-T. GRCh37 (hg19) VCF-style: chrX-153786844-A-T.
Other names: c.701A>T, p.Glu234Val (NM_001099856.6); c.497A>T, p.Glu166Val (NM_001145255.4, NM_001321396.3, NM_001377312.1 and 1 more transcripts); c.494A>T, p.Glu165Val (NM_001321397.3, NM_001377313.1, NM_001377314.1); c.399+2253A>T (NM_001377315.1); short protein forms E166V, E165V, E234V.
Identifiers: ClinVar variation 427195 (VCV000427195.4), dbSNP rs1085308018, ClinGen allele CA415214306.
Genomic context (GRCh38, chrX:154,558,629, plus strand): 5'-TGACGTCCTTGCTCGGGGAGCTGCAGGAGAGCCAGAGTCGCTTGGAGGCTGCCACTAAGG[A>T]ATGCCAGGCTCTGGAGGGTCGGTGAGTCGGGGGAGCCGGCTCCGGAGACCCCTTCCAGGG-3'
Protein context (NP_001093327.1, residues 156-176): SQSRLEAATK[Glu166Val]CQALEGRARA